The following is an entry in ClinVar:

ClinVar aggregate classification (germline): Uncertain significance. Review status: criteria provided, multiple submitters, no conflicts (2 of 4 stars). 2 submissions from 2 submitters: Uncertain significance (2). Last evaluated 2025-12-24.

Conditions:
Inborn genetic diseases. Identifiers: MedGen C0950123, MeSH D030342.

Allele frequency attached by ClinVar (database versions not stated): gnomAD 0.00001; ExAC 0.00002; ESP Exome Variant Server 0.00015; TOPMed 0.00001.

Submissions (2):

Labcorp Genetics (formerly Invitae), Labcorp
Classification: Uncertain significance. Last evaluated: 2025-12-24. Review status: criteria provided, single submitter. Criteria: Invitae Variant Classification Sherloc (09022015). Collection method: clinical testing. Allele origin: germline.
Comment: This sequence change replaces histidine, which is basic and polar, with tyrosine, which is neutral and polar, at codon 370 of the MBD4 protein (p.His370Tyr). This variant is present in population databases (rs150831027, gnomAD 0.003%). This variant has not been reported in the literature in individuals affected with MBD4-related conditions. ClinVar contains an entry for this variant (Variation ID: 2317681). An algorithm developed to predict the effect of missense changes on protein structure and function outputs the following: PolyPhen-2: "Benign". The tyrosine amino acid residue is found in multiple mammalian species, which suggests that this missense change does not adversely affect protein function. In summary, the available evidence is currently insufficient to determine the role of this variant in disease. Therefore, it has been classified as a Variant of Uncertain Significance.

Ambry Genetics
Classification: Uncertain significance for Inborn genetic diseases. Last evaluated: 2022-10-06. Review status: criteria provided, single submitter. Criteria: Ambry Variant Classification Scheme 2023. Collection method: clinical testing. Allele origin: germline.

NM_001276270.2(MBD4):c.1108C>T (p.His370Tyr)

Gene: MBD4 (methyl-CpG binding domain 4, DNA glycosylase; minus strand). Cytogenetic location: 3q21.3.
Variant type: single nucleotide variant.
Coding change: c.1108C>T on transcript NM_001276270.2 (MANE Select); coding-DNA position 1108, C replaced by T.
Protein change: p.His370Tyr; replaces histidine 370 with tyrosine.
Molecular consequence: missense variant. On other transcripts: intron variant (1).
Genome position (GRCh38, 1-based): chr3:129,436,536, G>A on the plus strand (C>T on the coding strand, the complement: MBD4 is on the minus strand). VCF-style: chr3-129436536-G-A. GRCh37 (hg19) VCF-style: chr3-129155379-G-A.
Other names: c.1108C>T, p.His370Tyr (NM_001276271.2, NM_001276272.2, NM_003925.3); c.247+1272C>T (NM_001276273.2); short protein forms H370Y.
Identifiers: ClinVar variation 2317681 (VCV002317681.5), dbSNP rs150831027, ClinGen allele CA2605415.